The following is an entry in ClinVar:

NM_000426.4(LAMA2):c.6418C>T (p.Gln2140Ter)

Gene: LAMA2 (laminin subunit alpha 2; plus strand). Cytogenetic location: 6q22.33.
Variant type: single nucleotide variant.
Coding change: c.6418C>T on transcript NM_000426.4 (MANE Select); coding-DNA position 6418, C replaced by T.
Protein change: p.Gln2140Ter; replaces glutamine 2140 with a stop codon.
Molecular consequence: nonsense.
Genome position (GRCh38, 1-based): chr6:129,445,810, C>T. VCF-style: chr6-129445810-C-T. GRCh37 (hg19) VCF-style: chr6-129766955-C-T.
Other names: c.6418C>T, p.Gln2140Ter (NM_001079823.2); short protein forms Q2140*.
Identifiers: ClinVar variation 5014741 (VCV005014741.1).

ClinVar aggregate classification (germline): Pathogenic (1 of 4 stars; one submission).

Conditions:
LAMA2-related muscular dystrophy (LAMA2-RD). Also called: Laminin alpha 2-related dystrophy. Identifiers: MedGen C5679788, MONDO:0100228.

Submission:

Myriad Genetics, Inc.
Classification: Pathogenic for LAMA2-related muscular dystrophy. Last evaluated: 2025-07-17. Review status: criteria provided, single submitter. Criteria: Myriad Autosomal Dominant, Autosomal Recessive and X-Linked Classification Criteria (2023). Collection method: clinical testing. Allele origin: unknown.
Comment: NM_000426.3(LAMA2):c.6418C>T(Q2140*) is expected to be pathogenic in the context of muscular dystrophy, LAMA2-related. This variant is predicted to lead to an abnormal or absent protein product due to the creation of a premature termination codon in LAMA2, a gene where loss-of-function variants are known to be pathogenic. Please note: this variant was assessed in the context of healthy population screening.